The following is an entry in ClinVar:

NM_001349253.2(SCN11A):c.1093del (p.Tyr365fs)

Gene: SCN11A (sodium voltage-gated channel alpha subunit 11; minus strand). Cytogenetic location: 3p22.2.
Variant type: Deletion.
Coding change: c.1093del on transcript NM_001349253.2 (MANE Select); coding-DNA position 1093, one base deleted (T; older notation c.1093delT).
Protein change: p.Tyr365fs; shifts the reading frame from tyrosine 365.
Molecular consequence: frameshift variant.
Genome position (GRCh38, 1-based): chr3:38,910,074, A deleted on the plus strand (T on the coding strand, the reverse complement: SCN11A is on the minus strand); the first of 3 consecutive A bases (chr3:38,910,074-38,910,076); deleting any one gives the same sequence. VCF-style (leftmost placement, unchanged base first): chr3-38910073-TA-T. GRCh37 (hg19) VCF-style: chr3-38951564-TA-T.
Other names: c.1093del, p.Tyr365fs (NM_014139.3); short protein forms Y365fs.
Identifiers: ClinVar variation 3753138 (VCV003753138.2).

ClinVar aggregate classification (germline): Uncertain significance (1 of 4 stars; one submission).

Conditions:
Hereditary sensory and autonomic neuropathy type 7. Also called: HSAN VII; Neuropathy, hereditary sensory and autonomic, type VII. Identifiers: Orphanet 391397, MedGen C3809882, MONDO:0014244, OMIM 615548.
Familial episodic pain syndrome with predominantly lower limb involvement. Also called: Episodic pain syndrome, familial, 3. Identifiers: Orphanet 391384, Orphanet 391392, MedGen C3809899, MONDO:0014247, OMIM 615552.

Submission:

Labcorp Genetics (formerly Invitae), Labcorp
Classification: Uncertain significance for Familial episodic pain syndrome with predominantly lower limb involvement; Hereditary sensory and autonomic neuropathy type 7. Last evaluated: 2024-02-29. Review status: criteria provided, single submitter. Criteria: Invitae Variant Classification Sherloc (09022015). Collection method: clinical testing. Allele origin: germline.
Comment: This sequence change creates a premature translational stop signal (p.Tyr365Ilefs*27) in the SCN11A gene. It is expected to result in an absent or disrupted protein product. However, the current clinical and genetic evidence is not sufficient to establish whether loss-of-function variants in SCN11A cause disease. This variant is not present in population databases (gnomAD no frequency). This variant has not been reported in the literature in individuals affected with SCN11A-related conditions. In summary, the available evidence is currently insufficient to determine the role of this variant in disease. Therefore, it has been classified as a Variant of Uncertain Significance.